The following is an entry in ClinVar:

ClinVar aggregate classification (germline): Uncertain significance (1 of 4 stars; one submission).

Conditions:
Inborn genetic diseases. Identifiers: MedGen C0950123, MeSH D030342.

gnomAD v4.1: 1 of 1,612,072 alleles (0.000062%); highest among the groups gnomAD compares: Non-Finnish European, 0.000085%; no homozygotes.

Submission:

Ambry Genetics
Classification: Uncertain significance for Inborn genetic diseases. Last evaluated: 2025-02-22. Review status: criteria provided, single submitter. Criteria: Ambry Variant Classification Scheme 2023. Collection method: clinical testing. Allele origin: germline.
Comment: The p.V624G variant (also known as c.1871T>G), located in coding exon 11 of the RECQL4 gene, results from a T to G substitution at nucleotide position 1871. The valine at codon 624 is replaced by glycine, an amino acid with dissimilar properties. This amino acid position is conserved. In addition, this alteration is predicted to be deleterious by in silico analysis. Based on the available evidence, the clinical significance of this variant remains unclear.

NM_004260.4(RECQL4):c.1871T>G (p.Val624Gly)

Gene: RECQL4 (RecQ like helicase 4; minus strand). Cytogenetic location: 8q24.3.
Variant type: single nucleotide variant.
Coding change: c.1871T>G on transcript NM_004260.4 (MANE Select); coding-DNA position 1871, T replaced by G.
Protein change: p.Val624Gly; replaces valine 624 with glycine.
Molecular consequence: missense variant. On other transcripts: non-coding transcript variant (3).
Genome position (GRCh38, 1-based): chr8:144,514,196, A>C on the plus strand (T>G on the coding strand, the complement: RECQL4 is on the minus strand). VCF-style: chr8-144514196-A-C. GRCh37 (hg19) VCF-style: chr8-145739580-A-C.
Other names: c.1775T>G, p.Val592Gly (NM_001413017.1, NM_001413020.1); c.1871T>G, p.Val624Gly (NM_001413018.1, NM_001413019.1, NM_001413036.1); c.800T>G, p.Val267Gly (NM_001413021.1, NM_001413022.1, NM_001413023.1 and 6 more transcripts); c.1742T>G, p.Val581Gly (NM_001413025.1); c.734T>G, p.Val245Gly (NM_001413027.1, NM_001413030.1, NM_001413032.1 and 1 more transcripts); c.1520T>G, p.Val507Gly (NM_001413029.1); c.602T>G, p.Val201Gly (NM_001413031.1); c.1739T>G, p.Val580Gly (NM_001413033.1); and 4 more; short protein forms V507G, V201G, V245G, V267G, V592G, V614G, V135G, V580G.
Identifiers: ClinVar variation 3788054 (VCV003788054.1).
Genomic context (GRCh38, chr8:144,514,196, plus strand): 5'-CCGCCCAGCCCATCCCGGCCCTGGCCGCCCACCCCAGTTCACATATGGCTCACCTTGCAG[A>C]CGCGCAGGTAGCAGGGCCGGAAGTTGTGGGACCACTGGGAGAGGCAGTGGGCCTCATCAA-3'
Protein context (NP_004251.4, residues 614-634): SHNFRPCYLR[Val624Gly]CKVLRERMGV